The following is an entry in ClinVar:

NM_001282531.3(ADNP):c.1323C>A (p.Ser441=)

Gene: ADNP (activity dependent neuroprotector homeobox; minus strand). Cytogenetic location: 20q13.13.
Variant type: single nucleotide variant.
Coding change: c.1323C>A on transcript NM_001282531.3 (MANE Select); coding-DNA position 1323, C replaced by A.
Protein change: p.Ser441=; no amino-acid change (serine 441 retained).
Molecular consequence: synonymous variant.
Genome position (GRCh38, 1-based): chr20:50,893,391, G>T on the plus strand (C>A on the coding strand, the complement: ADNP is on the minus strand). VCF-style: chr20-50893391-G-T. GRCh37 (hg19) VCF-style: chr20-49509928-G-T.
Other names: c.1323C>A, p.Ser441= (NM_001282532.2, NM_001347511.2, NM_015339.5 and 1 more transcripts).
Identifiers: ClinVar variation 2838997 (VCV002838997.3), dbSNP rs552543762, ClinGen allele CA511022125.

ClinVar aggregate classification (germline): Uncertain significance (1 of 4 stars; one submission).

Submission:

Labcorp Genetics (formerly Invitae), Labcorp
Classification: Uncertain significance. Last evaluated: 2023-02-19. Review status: criteria provided, single submitter. Criteria: Invitae Variant Classification Sherloc (09022015). Collection method: clinical testing. Allele origin: germline.
Comment: In summary, the available evidence is currently insufficient to determine the role of this variant in disease. Therefore, it has been classified as a Variant of Uncertain Significance. This variant has not been reported in the literature in individuals affected with ADNP-related conditions. This variant is not present in population databases (gnomAD no frequency). This sequence change affects codon 441 of the ADNP mRNA. It is a 'silent' change, meaning that it does not change the encoded amino acid sequence of the ADNP protein.